The following is an entry in ClinVar:

ClinVar aggregate classification (germline): Pathogenic (1 of 4 stars; one submission).

Conditions:
Deficiency of UDPglucose-hexose-1-phosphate uridylyltransferase. Also called: GALT deficiency; Galactosemia, classic; GALACTOSE-1-PHOSPHATE URIDYLYLTRANSFERASE DEFICIENCY; Transferase Deficiency Galactosemia; GALACTOSEMIA I. Identifiers: Orphanet 352, Orphanet 79239, MedGen C0268151, MONDO:0009258, OMIM 230400.

Allele frequency attached by ClinVar (database versions not stated): gnomAD exomes below 0.00001.
gnomAD v4.1: 2 of 1,614,074 alleles (0.00012%); highest among the groups gnomAD compares: South Asian, 0.0022%; no homozygotes.

Submission:

Labcorp Genetics (formerly Invitae), Labcorp
Classification: Pathogenic for Deficiency of UDPglucose-hexose-1-phosphate uridylyltransferase. Last evaluated: 2023-02-13. Review status: criteria provided, single submitter. Criteria: Invitae Variant Classification Sherloc (09022015). Collection method: clinical testing. Allele origin: germline.
Comment: This missense change has been observed in individual(s) with clinical features of galactosemia (Invitae). In at least one individual the data is consistent with being in trans (on the opposite chromosome) from a pathogenic variant. Advanced modeling of protein sequence and biophysical properties (such as structural, functional, and spatial information, amino acid conservation, physicochemical variation, residue mobility, and thermodynamic stability) performed at Invitae indicates that this missense variant is expected to disrupt GALT protein function. For these reasons, this variant has been classified as Pathogenic. This variant is present in population databases (no rsID available, gnomAD 0.003%). This sequence change replaces isoleucine, which is neutral and non-polar, with valine, which is neutral and non-polar, at codon 147 of the GALT protein (p.Ile147Val).

NM_000155.4(GALT):c.439A>G (p.Ile147Val)

Gene: GALT (galactose-1-phosphate uridylyltransferase; plus strand). Cytogenetic location: 9p13.3.
Variant type: single nucleotide variant.
Coding change: c.439A>G on transcript NM_000155.4 (MANE Select); coding-DNA position 439, A replaced by G.
Protein change: p.Ile147Val; replaces isoleucine 147 with valine.
Molecular consequence: missense variant.
Genome position (GRCh38, 1-based): chr9:34,647,893, A>G. VCF-style: chr9-34647893-A-G. GRCh37 (hg19) VCF-style: chr9-34647890-A-G.
Other names: c.112A>G, p.Ile38Val (NM_001258332.2); short protein forms I38V, I147V.
Identifiers: ClinVar variation 2877639 (VCV002877639.3), dbSNP rs1442155934, ClinGen allele CA373280823.